The following is an entry in ClinVar:

ClinVar aggregate classification (germline): Uncertain significance (1 of 4 stars; one submission).

Submission:

Labcorp Genetics (formerly Invitae), Labcorp
Classification: Uncertain significance. Last evaluated: 2025-09-02. Review status: criteria provided, single submitter. Criteria: Invitae Variant Classification Sherloc (09022015). Collection method: clinical testing. Allele origin: germline.
Comment: This sequence change replaces valine, which is neutral and non-polar, with alanine, which is neutral and non-polar, at codon 22 of the MYO7A protein (p.Val22Ala). This variant is not present in population databases (gnomAD no frequency). This variant has not been reported in the literature in individuals affected with MYO7A-related conditions. ClinVar contains an entry for this variant (Variation ID: 2859052). Invitae Evidence Modeling of protein sequence and biophysical properties (such as structural, functional, and spatial information, amino acid conservation, physicochemical variation, residue mobility, and thermodynamic stability) has been performed for this missense variant. However, the output from this modeling did not meet the statistical confidence thresholds required to predict the impact of this variant on MYO7A protein function. In summary, the available evidence is currently insufficient to determine the role of this variant in disease. Therefore, it has been classified as a Variant of Uncertain Significance.

NM_000260.4(MYO7A):c.65T>C (p.Val22Ala)

Gene: MYO7A (myosin VIIA; plus strand). Cytogenetic location: 11q13.5.
Variant type: single nucleotide variant.
Coding change: c.65T>C on transcript NM_000260.4 (MANE Select); coding-DNA position 65, T replaced by C.
Protein change: p.Val22Ala; replaces valine 22 with alanine.
Molecular consequence: missense variant.
Genome position (GRCh38, 1-based): chr11:77,142,755, T>C. VCF-style: chr11-77142755-T-C. GRCh37 (hg19) VCF-style: chr11-76853801-T-C.
Other names: c.65T>C, p.Val22Ala (NM_001127180.2); c.32T>C, p.Val11Ala (NM_001369365.1); short protein forms V11A, V22A.
Identifiers: ClinVar variation 2859052 (VCV002859052.3), dbSNP rs1555051493, ClinGen allele CA381947688.